The following is an entry in ClinVar:

ClinVar aggregate classification (germline): Uncertain significance (1 of 4 stars; one submission).

Submission:

Ambry Genetics
Classification: Uncertain significance. Last evaluated: 2024-07-27. Review status: criteria provided, single submitter. Criteria: Ambry Variant Classification Scheme 2023. Collection method: clinical testing. Allele origin: germline.
Comment: The p.K76N variant (also known as c.228A>T), located in coding exon 3 of the RINT1 gene, results from an A to T substitution at nucleotide position 228. The lysine at codon 76 is replaced by asparagine, an amino acid with similar properties. This amino acid position is conserved. In addition, this alteration is predicted to be tolerated by in silico analysis. Based on the available evidence, the clinical significance of this variant remains unclear.

NM_021930.6(RINT1):c.228A>T (p.Lys76Asn)

Gene: RINT1 (RAD50 interactor 1; plus strand). Cytogenetic location: 7q22.3.
Variant type: single nucleotide variant.
Coding change: c.228A>T on transcript NM_021930.6 (MANE Select); coding-DNA position 228, A replaced by T.
Protein change: p.Lys76Asn; replaces lysine 76 with asparagine.
Molecular consequence: missense variant. On other transcripts: 5 prime UTR variant (3), non-coding transcript variant (1), intron variant (1).
Genome position (GRCh38, 1-based): chr7:105,536,704, A>T. VCF-style: chr7-105536704-A-T. GRCh37 (hg19) VCF-style: chr7-105177151-A-T.
Other names: c.-792A>T (NM_001346600.2); c.-695A>T (NM_001346601.2); c.-315A>T (NM_001346603.2); c.39+92A>T (NM_001346599.2); short protein forms K76N.
Identifiers: ClinVar variation 3433590 (VCV003433590.1).
Genomic context (GRCh38, chr7:105,536,704, plus strand): 5'-GTCTGCATTCATAGAAAAGGAAGTTGGAAATGACCTTAAATCTTTAAAGAAACTTGATAA[A>T]CTCATAGAACAGAGGACAGTAAGTAAAATGCAGTTAGAAGAACAGGTAAGTATTGAAACT-3'
Protein context (NP_068749.3, residues 66-86): NDLKSLKKLD[Lys76Asn]LIEQRTVSKM